The following is an entry in ClinVar:

ClinVar aggregate classification (germline): Uncertain significance (1 of 4 stars; one submission).

Submission:

Ambry Genetics
Classification: Uncertain significance. Last evaluated: 2022-02-05. Review status: criteria provided, single submitter. Criteria: Ambry Variant Classification Scheme 2023. Collection method: clinical testing. Allele origin: germline.
Comment: The p.P3169S variant (also known as c.9505C>T), located in coding exon 68 of the PRKDC gene, results from a C to T substitution at nucleotide position 9505. The proline at codon 3169 is replaced by serine, an amino acid with similar properties. This amino acid position is conserved. In addition, the in silico prediction for this alteration is inconclusive. Since supporting evidence is limited at this time, the clinical significance of this alteration remains unclear.

NM_006904.7(PRKDC):c.9505C>T (p.Pro3169Ser)

Gene: PRKDC (protein kinase, DNA-activated, catalytic subunit; minus strand). Cytogenetic location: 8q11.21.
Variant type: single nucleotide variant.
Coding change: c.9505C>T on transcript NM_006904.7 (MANE Select); coding-DNA position 9505, C replaced by T.
Protein change: p.Pro3169Ser; replaces proline 3169 with serine.
Molecular consequence: missense variant.
Genome position (GRCh38, 1-based): chr8:47,817,502, G>A on the plus strand (C>T on the coding strand, the complement: PRKDC is on the minus strand). VCF-style: chr8-47817502-G-A. GRCh37 (hg19) VCF-style: chr8-48730063-G-A.
Other names: c.9505C>T, p.Pro3169Ser (NM_001081640.2); short protein forms P3169S.
Identifiers: ClinVar variation 1767198 (VCV001767198.2), dbSNP rs2551864894, ClinGen allele CA371137112.